The following is an entry in ClinVar:

ClinVar aggregate classification (germline): Benign. Review status: criteria provided, multiple submitters, no conflicts (2 of 4 stars). 4 submissions from 4 submitters: Benign (4). Last evaluated 2026-02-04.

Conditions:
Hypertrophic cardiomyopathy. Also called: HYPERTROPHIC MYOCARDIOPATHY. Identifiers: Orphanet 217569, MedGen C0007194, MeSH D002312, MONDO:0005045, HP:0001639.

Allele frequency attached by ClinVar (database versions not stated): gnomAD exomes 0.47891 and 0.49171; ExAC 0.53987; TOPMed 0.58242; gnomAD 0.58356 and 0.58772; ESP Exome Variant Server 0.59186; 1000 Genomes Project 0.62280; 1000 Genomes Project 30x 0.62883.
gnomAD v4.1: 778,361 of 1,589,660 alleles (49%); highest among the groups gnomAD compares: African/African-American, 88%; 199,735 homozygotes.

Submissions (4):

Labcorp Genetics (formerly Invitae), Labcorp
Classification: Benign for Hypertrophic cardiomyopathy. Last evaluated: 2026-02-04. Review status: criteria provided, single submitter. Criteria: Invitae Variant Classification Sherloc (09022015). Collection method: clinical testing. Allele origin: germline.

GeneDx
Classification: Benign. Last evaluated: 2018-09-04. Review status: criteria provided, single submitter. Criteria: GeneDx Variant Classification Process June 2021. Collection method: clinical testing. Allele origin: germline. Affected: yes.

Laboratory for Molecular Medicine, Mass General Brigham Personalized Medicine
Classification: Benign. Last evaluated: 2014-11-24. Review status: criteria provided, single submitter. Criteria: LMM Criteria. Collection method: clinical testing. Allele origin: germline. Observed: 394 variant alleles.
Comment: 4685+11G>T in intron 35 of MYOM1: This variant is not expected to have clinical significance because it is not located within the conserved splice consensus seq uence. It has been identified in 46.3% (3809/8224) of European American chromoso mes from a broad population by the NHLBI Exome Sequencing Project (.; dbSNP rs2298539).

Breakthrough Genomics
Classification: Benign. Review status: criteria provided, single submitter. Criteria: ACMG Guidelines, 2015. Collection method: not provided. Allele origin: germline. Inheritance: Unknown mechanism. Affected: yes.

NM_003803.4(MYOM1):c.4685+11G>T

Gene: MYOM1 (myomesin 1; minus strand). Cytogenetic location: 18p11.31.
Variant type: single nucleotide variant.
Coding change: c.4685+11G>T on transcript NM_003803.4 (MANE Select); 11 bases into the intron after coding-DNA position 4685, G replaced by T.
Molecular consequence: intron variant.
Genome position (GRCh38, 1-based): chr18:3,075,714, C>A on the plus strand (G>T on the coding strand, the complement: MYOM1 is on the minus strand). VCF-style: chr18-3075714-C-A. GRCh37 (hg19) VCF-style: chr18-3075712-C-A.
Other names: c.4397+11G>T (NM_019856.2).
Identifiers: ClinVar variation 226826 (VCV000226826.16), dbSNP rs2298539, ClinGen allele CA8873865.